The following is an entry in ClinVar:

ClinVar aggregate classification (germline): Likely pathogenic (1 of 4 stars; one submission).

Conditions:
Wilms tumor 1 (WT1). Also called: Wilms tumor, somatic. Identifiers: Orphanet 654, MedGen CN033288, MONDO:0008679, OMIM 194070.

Submission:

Genelabs Medical  (pvt) Ltd
Classification: Likely pathogenic for Wilms tumor 1. Last evaluated: 2026-08-03. Review status: criteria provided, single submitter. Criteria: ACMG Guidelines, 2015. Collection method: clinical testing. Allele origin: germline. Affected: yes. Observed: 1 heterozygote.
Comment: The frameshift variant NM_024426.6(WT1):c.1123delinsGA (p.Arg375Glufs*15) is absent from population databases, supporting its rarity. This complex deletion–insertion results in a frameshift beginning at codon 375, introducing a premature termination codon 15 amino acids downstream. The variant is located in exon 7 of 10 and is predicted to undergo nonsense-mediated decay (NMD), likely resulting in loss of normal WT1 protein function. WT1 has a definitive gene-disease association with autosomal dominant Wilms tumor type 1, as curated by ClinGen. ClinGen curation distinguishes Wilms tumor type 1 from congenital malformation syndromes associated with WT1 (including Denys–Drash, Frasier, Meacham syndromes, and nephrotic syndrome type 4), noting that Wilms tumor type 1 is predominantly caused by loss-of-function variants, whereas several congenital syndromes are more often associated with missense variants acting through dominant-negative mechanisms. Loss-of-function is therefore a well-established mechanism of disease for Wilms tumor type 1. Consistent with this, 91 pathogenic or likely pathogenic loss-of-function variants have been reported in WT1, including 24 downstream truncating variants, supporting intolerance to protein truncation. Based on the cumulative evidence, this variant is classified as Likely Pathogenic. (PVS1, PM2_Supporting)

NM_024426.6(WT1):c.1123delinsGA (p.Arg375fs)

Gene: WT1 (WT1 transcription factor; minus strand). Cytogenetic location: 11p13.
Variant type: Indel.
Coding change: c.1123delinsGA on transcript NM_024426.6 (MANE Select); coding-DNA position 1123, C replaced by GA.
Protein change: p.Arg375fs; shifts the reading frame from arginine 375.
Molecular consequence: frameshift variant. On other transcripts: 5 prime UTR variant (1), non-coding transcript variant (2).
Genome position (GRCh38, 1-based): chr11:32,396,398, G replaced by TC on the plus strand (C replaced by GA on the coding strand, the reverse complement: WT1 is on the minus strand). VCF-style: chr11-32396398-G-TC. GRCh37 (hg19) VCF-style: chr11-32417944-G-TC.
Other names: c.1072delinsGA, p.Arg358fs (NM_000378.6, NM_001407045.1, NM_001407048.1 and 1 more transcripts); c.472delinsGA, p.Arg158fs (NM_001198551.2); c.421delinsGA, p.Arg141fs (NM_001198552.2); c.-66delinsGA (NM_001367854.1); c.1117delinsGA, p.Arg373fs (NM_001407044.1); c.1123delinsGA, p.Arg375fs (NM_001407046.1, NM_024424.5); c.1000delinsGA, p.Arg334fs (NM_001407047.1); c.949delinsGA, p.Arg317fs (NM_001407050.1); and 3 more; short protein forms R121fs, R141fs, R158fs, R285fs, R302fs, R317fs, R334fs, R358fs.
Identifiers: ClinVar variation 4888239 (VCV004888239.1).